The following is an entry in ClinVar:

ClinVar aggregate classification (germline): Uncertain significance. Review status: reviewed by expert panel (3 of 4 stars). 2 submissions from 2 submitters: Uncertain significance (1). 1 of the submissions does not count toward it. Last evaluated 2024-10-29.

Conditions:
Hereditary thrombocytopenia and hematological cancer predisposition syndrome associated with RUNX1. Also called: Familial Platelet Disorder with Propensity to Acute Myelogenous Leukemia; Familial thrombocytopenia with propensity to acute myelogenous leukemia; PLATELET DISORDER, ASPIRIN-LIKE; RUNX1 Familial Platelet Disorder with Associated Myeloid Malignancies. Identifiers: Orphanet 71290, MedGen C1832388, MeSH C563324, MONDO:0100083, OMIM 601399.
Hereditary thrombocytopenia and hematologic cancer predisposition syndrome. Identifiers: Orphanet 71290, MedGen CN281654, MONDO:0011071.

Allele frequency attached by ClinVar (database versions not stated): gnomAD exomes below 0.00001.
gnomAD v4.1: 1 of 1,598,464 alleles (0.000063%); highest among the groups gnomAD compares: East Asian, 0.0022%; no homozygotes.

Submissions (2):

ClinGen Myeloid Malignancy Variant Curation Expert Panel
Classification: Uncertain significance for Hereditary thrombocytopenia and hematologic cancer predisposition syndrome. Last evaluated: 2024-10-29. Review status: reviewed by expert panel. Criteria: ClinGen MyeloMalig ACMG Specifications v2. Collection method: curation. Allele origin: germline. Inheritance: Autosomal dominant inheritance.
Comment: NM_001754.5(RUNX1):c.116G>A (p.Arg39His) is a missense variant which is completely absent from all population databases with at least 20x coverage for RUNX1 (PM2_supporting). In summary, the clinical significance of this variant is uncertain. ACMG/AMP criteria applied, as specified by the Myeloid Malignancy Variant Curation Expert Panel for RUNX1: PM2_supporting.

Labcorp Genetics (formerly Invitae), Labcorp
Classification: Uncertain significance for Hereditary thrombocytopenia and hematological cancer predisposition syndrome associated with RUNX1. Last evaluated: 2023-11-02. Review status: criteria provided, single submitter. Criteria: Invitae Variant Classification Sherloc (09022015). Collection method: clinical testing. Allele origin: germline. Not counted in ClinVar's aggregate classification.
Comment: This sequence change replaces arginine, which is basic and polar, with histidine, which is basic and polar, at codon 39 of the RUNX1 protein (p.Arg39His). This variant is not present in population databases (gnomAD no frequency). This variant has not been reported in the literature in individuals affected with RUNX1-related conditions. Advanced modeling of protein sequence and biophysical properties (such as structural, functional, and spatial information, amino acid conservation, physicochemical variation, residue mobility, and thermodynamic stability) has been performed at Invitae for this missense variant, however the output from this modeling did not meet the statistical confidence thresholds required to predict the impact of this variant on RUNX1 protein function. In summary, the available evidence is currently insufficient to determine the role of this variant in disease. Therefore, it has been classified as a Variant of Uncertain Significance.

NM_001754.5(RUNX1):c.116G>A (p.Arg39His)

Gene: RUNX1 (RUNX family transcription factor 1; minus strand). Cytogenetic location: 21q22.12.
Variant type: single nucleotide variant.
Coding change: c.116G>A on transcript NM_001754.5 (MANE Select); coding-DNA position 116, G replaced by A.
Protein change: p.Arg39His; replaces arginine 39 with histidine.
Molecular consequence: missense variant.
Genome position (GRCh38, 1-based): chr21:34,887,078, C>T on the plus strand (G>A on the coding strand, the complement: RUNX1 is on the minus strand). VCF-style: chr21-34887078-C-T. GRCh37 (hg19) VCF-style: chr21-36259375-C-T.
Other names: NM_001754.5(RUNX1):c.116G>A; p.Arg39His; c.35G>A, p.Arg12His (NM_001001890.3, NM_001122607.2); short protein forms R12H, R39H.
Identifiers: ClinVar variation 2692670 (VCV002692670.4), dbSNP rs2058005645, ClinGen allele CA410204278.